The following is an entry in ClinVar:

ClinVar aggregate classification (germline): Uncertain significance (0 of 4 stars; one submission).

Conditions:
SEMA3F-related disorder. Also called: SEMA3F-related condition.

Submission:

PreventionGenetics, part of Exact Sciences
Classification: Uncertain significance for SEMA3F-related condition. Last evaluated: 2024-05-16. Review status: no assertion criteria provided. Collection method: clinical testing. Allele origin: germline.
Comment: The SEMA3F c.422T>C variant is predicted to result in the amino acid substitution p.Met141Thr. To our knowledge, this variant has not been reported in the literature or in a large population database, indicating this variant is rare. At this time, the clinical significance of this variant is uncertain due to the absence of conclusive functional and genetic evidence.

NM_004186.5(SEMA3F):c.422T>C (p.Met141Thr)

Gene: SEMA3F (semaphorin 3F; plus strand). Cytogenetic location: 3p21.31.
Variant type: single nucleotide variant.
Coding change: c.422T>C on transcript NM_004186.5 (MANE Select); coding-DNA position 422, T replaced by C.
Protein change: p.Met141Thr; replaces methionine 141 with threonine.
Molecular consequence: missense variant.
Genome position (GRCh38, 1-based): chr3:50,174,316, T>C. VCF-style: chr3-50174316-T-C. GRCh37 (hg19) VCF-style: chr3-50211749-T-C.
Other names: c.218T>C, p.Met73Thr (NM_001318798.2); c.422T>C, p.Met141Thr (NM_001318800.2); short protein forms M141T, M73T.
Identifiers: ClinVar variation 3353941 (VCV003353941.1).
Genomic context (GRCh38, chr3:50,174,316, plus strand): 5'-TCATCCAGCCCTGGAACCGAACACACCTGTATGTGTGCGGGACAGGTGCCTACAACCCCA[T>C]GTGCACCTATGTGAACCGCGGACGCCGCGCCCAGGTAAGCCCCAGCCACCCTGGCCCTGT-3'
Protein context (NP_004177.3, residues 131-151): YVCGTGAYNP[Met141Thr]CTYVNRGRRA